The following is an entry in ClinVar:

ClinVar aggregate classification (germline): Uncertain significance (1 of 4 stars; one submission).

Conditions:
Hypophosphatasia. Also called: Phosphoethanol-aminuria. Identifiers: Orphanet 436, MedGen C0020630, MeSH D007014, MONDO:0018570.

Submission:

Genomenon, Inc
Classification: Uncertain significance for Hypophosphatasia. Last evaluated: 2025-08-29. Review status: criteria provided, single submitter. Criteria: Genomenon Sequence Variant Interpretation Standards. Collection method: curation. Allele origin: germline. Affected: yes.
Comment: ALPL c.297+3G>T is a splice variant located in the donor splice region of intron 4. This variant has been observed in at least one proband affected with hypophosphatasia (PMID:27777120). It is absent or not present at a significant frequency in gnomAD. In silico models agree that this variant is possibly or probably damaging. In conclusion, we classify ALPL c.297+3G>T as a variant of unknown significance.

Literature cited by the submitters: PubMed 27777120.

NM_000478.6(ALPL):c.297+3G>T

Gene: ALPL (alkaline phosphatase, biomineralization associated; plus strand). Cytogenetic location: 1p36.12.
Variant type: single nucleotide variant.
Coding change: c.297+3G>T on transcript NM_000478.6 (MANE Select); 3 bases into the intron after coding-DNA position 297, G replaced by T.
Molecular consequence: intron variant.
Genome position (GRCh38, 1-based): chr1:21,561,215, G>T. VCF-style: chr1-21561215-G-T. GRCh37 (hg19) VCF-style: chr1-21887708-G-T.
Other names: c.297+3G>T (NM_001369805.2, NM_001369804.2, NM_001369803.2); c.132+3G>T (NM_001127501.4); c.66+470G>T (NM_001177520.3).
Identifiers: ClinVar variation 4086925 (VCV004086925.1).